The following is an entry in ClinVar:

ClinVar aggregate classification (germline): Likely pathogenic (1 of 4 stars; one submission).

Conditions:
Hereditary cancer-predisposing syndrome. Also called: Tumor predisposition; Hereditary Cancer Syndrome; Hereditary neoplastic syndrome; Neoplastic Syndromes, Hereditary. Identifiers: Orphanet 140162, MedGen C0027672, MeSH D009386, MONDO:0015356.

Submission:

Ambry Genetics
Classification: Likely pathogenic for Hereditary cancer-predisposing syndrome. Last evaluated: 2026-01-15. Review status: criteria provided, single submitter. Criteria: Ambry Variant Classification Scheme 2023. Collection method: clinical testing. Allele origin: germline.
Comment: The c.974_981delGTGAAATTinsCAAA variant, located in coding exon 10 of the PRKAR1A gene, results from the deletion of 8 nucleotides and insertion of 4 nucleotides causing a translational frameshift with a predicted alternate stop codon (p.G325Afs*5). This alteration occurs at the 3' terminus of thePRKAR1A gene, is not expected to trigger nonsense-mediated mRNA decay, and only impacts the last 57 amino acids of the protein. However, premature stop codons are typically deleterious in nature and a significant portion of the protein is affected (Ambry internal data). This variant is considered to be rare based on population cohorts in the Genome Aggregation Database (gnomAD). Based on the supporting evidence, this alteration is likely pathogenic for Carney complex; however, the association of this alteration with acrodysostosis is unknown.

NM_002734.5(PRKAR1A):c.974_981delinsCAAA (p.Gly325fs)

Gene: PRKAR1A (protein kinase cAMP-dependent type I regulatory subunit alpha; plus strand). Cytogenetic location: 17q24.2.
Variant type: Indel.
Coding change: c.974_981delinsCAAA on transcript NM_002734.5 (MANE Select); coding-DNA positions 974 to 981, GTGAAATT replaced by CAAA.
Protein change: p.Gly325fs; shifts the reading frame from glycine 325.
Molecular consequence: frameshift variant. On other transcripts: intron variant (1).
Genome position (GRCh38, 1-based): chr17:68,530,277-68,530,284, GTGAAATT replaced by CAAA. VCF-style: chr17-68530277-GTGAAATT-CAAA. GRCh37 (hg19) VCF-style: chr17-66526418-GTGAAATT-CAAA.
Other names: c.974_981delinsCAAA, p.Gly325fs (NM_001276289.2, NM_001278433.2, NM_001369389.1 and 3 more transcripts); c.973+276_973+283delinsCAAA (NM_001276290.1); short protein forms G325fs.
Identifiers: ClinVar variation 1768057 (VCV001768057.3), dbSNP rs2509446205, ClinGen allele CA2580095088.